The following is an entry in ClinVar:

NM_004006.3(DMD):c.1231A>G (p.Lys411Glu)

Gene: DMD (dystrophin; minus strand). Cytogenetic location: Xp21.1.
Variant type: single nucleotide variant.
Coding change: c.1231A>G on transcript NM_004006.3 (MANE Select); coding-DNA position 1231, A replaced by G.
Protein change: p.Lys411Glu; replaces lysine 411 with glutamic acid.
Molecular consequence: missense variant.
Genome position (GRCh38, 1-based): chrX:32,644,232, T>C on the plus strand (A>G on the coding strand, the complement: DMD is on the minus strand). VCF-style: chrX-32644232-T-C. GRCh37 (hg19) VCF-style: chrX-32662349-T-C.
Other names: c.1207A>G, p.Lys403Glu (NM_000109.4); c.1219A>G, p.Lys407Glu (NM_004009.3); c.862A>G, p.Lys288Glu (NM_004010.3); short protein forms K411E, K407E, K288E, K403E.
Identifiers: ClinVar variation 3634866 (VCV003634866.2).

ClinVar aggregate classification (germline): Uncertain significance (1 of 4 stars; one submission).

Conditions:
Duchenne muscular dystrophy (DMD). Also called: MUSCULAR DYSTROPHY, PSEUDOHYPERTROPHIC PROGRESSIVE, DUCHENNE TYPE; Duchenne Muscular Dystrophy (DMD). Identifiers: Orphanet 98896, MedGen C0013264, MONDO:0010679, OMIM 310200.

Submission:

Labcorp Genetics (formerly Invitae), Labcorp
Classification: Uncertain significance for Duchenne muscular dystrophy. Last evaluated: 2025-04-23. Review status: criteria provided, single submitter. Criteria: Invitae Variant Classification Sherloc (09022015). Collection method: clinical testing. Allele origin: germline.
Comment: This sequence change replaces lysine, which is basic and polar, with glutamic acid, which is acidic and polar, at codon 411 of the DMD protein (p.Lys411Glu). This variant is not present in population databases (gnomAD no frequency). This variant has not been reported in the literature in individuals affected with DMD-related conditions. ClinVar contains an entry for this variant (Variation ID: 3634866). Invitae Evidence Modeling of protein sequence and biophysical properties (such as structural, functional, and spatial information, amino acid conservation, physicochemical variation, residue mobility, and thermodynamic stability) indicates that this missense variant is not expected to disrupt DMD protein function with a negative predictive value of 95%. In summary, the available evidence is currently insufficient to determine the role of this variant in disease. Therefore, it has been classified as a Variant of Uncertain Significance.